The following is an entry in ClinVar:

ClinVar aggregate classification (germline): Likely pathogenic (1 of 4 stars; one submission).

Conditions:
Hypertrophic cardiomyopathy 1 (CMH1). Also called: Familial hypertrophic cardiomyopathy 1; MYH7-Related Familial Hypertrophic Cardiomyopathy. Identifiers: MedGen C3495498, MONDO:0008647, OMIM 192600.

Submission:

3billion
Classification: Likely pathogenic for Hypertrophic cardiomyopathy 1. Last evaluated: 2024-02-15. Review status: criteria provided, single submitter. Criteria: ACMG Guidelines, 2015. Collection method: clinical testing. Allele origin: germline. Affected: yes.
Comment: The variant is not observed in the gnomAD v2.1.1 dataset. Predicted Consequence/Location: The variant is located in a mutational hot spot and/or well-established functional domain in which established pathogenic variants have been reported (PMID: 29300372). In silico tool predictions suggest damaging effect of the variant on gene or gene product [3Cnet: 0.68 (>=0.6, sensitivity 0.72 and precision 0.9)]. A different missense change at the same codon (p.Ala321Val) has been reported to be associated with MYH7-related disorder (PMID: 23197398). Therefore, this variant is classified as Likely pathogenic according to the recommendation of ACMG/AMP guideline.

Literature cited by the submitters: PubMed 23197398.

NM_000257.4(MYH7):c.961G>T (p.Ala321Ser)

Gene: MYH7 (myosin heavy chain 7; minus strand). Cytogenetic location: 14q11.2.
Variant type: single nucleotide variant.
Coding change: c.961G>T on transcript NM_000257.4 (MANE Select); coding-DNA position 961, G replaced by T.
Protein change: p.Ala321Ser; replaces alanine 321 with serine.
Molecular consequence: missense variant.
Genome position (GRCh38, 1-based): chr14:23,430,598, C>A on the plus strand (G>T on the coding strand, the complement: MYH7 is on the minus strand). VCF-style: chr14-23430598-C-A. GRCh37 (hg19) VCF-style: chr14-23899807-C-A.
Other names: c.961G>T, p.Ala321Ser (NM_001407004.1); short protein forms A321S.
Identifiers: ClinVar variation 3775824 (VCV003775824.1).
Genomic context (GRCh38, chr14:23,430,598, plus strand): 5'-GGCTGGGTCCTCACACACTCACATCAGTGGCCATGAGCTCCTCAGCGTCATCAATGGAGG[C>A]CACGGTGGTCTCTCCTTGGGAGATGAATGCATAATCGTAGGGGTTGTTGGTGATCAGCAG-3'
Protein context (NP_000248.2, residues 311-331): AFISQGETTV[Ala321Ser]SIDDAEELMA